The following is an entry in ClinVar:

NM_016151.4(TAOK2):c.622G>A (p.Val208Ile)

Gene: TAOK2 (TAO kinase 2; plus strand). Cytogenetic location: 16p11.2.
Variant type: single nucleotide variant.
Coding change: c.622G>A on transcript NM_016151.4 (MANE Select); coding-DNA position 622, G replaced by A.
Protein change: p.Val208Ile; replaces valine 208 with isoleucine.
Molecular consequence: missense variant.
Genome position (GRCh38, 1-based): chr16:29,979,475, G>A. VCF-style: chr16-29979475-G-A. GRCh37 (hg19) VCF-style: chr16-29990796-G-A.
Other names: c.622G>A, p.Val208Ile (NM_001252043.2, NM_004783.4); short protein forms V208I.
Identifiers: ClinVar variation 3452882 (VCV003452882.3).

ClinVar aggregate classification (germline): Uncertain significance. Review status: criteria provided, multiple submitters, no conflicts (2 of 4 stars). 2 submissions from 2 submitters: Uncertain significance (2). Last evaluated 2024-09-02.

gnomAD v4.1: 59 of 1,566,226 alleles (0.0038%); highest among the groups gnomAD compares: East Asian, 0.023%; no homozygotes.

Submissions (2):

Ambry Genetics
Classification: Uncertain significance. Last evaluated: 2024-09-02. Review status: criteria provided, single submitter. Criteria: Ambry Variant Classification Scheme 2023. Collection method: clinical testing. Allele origin: germline.

Labcorp Genetics (formerly Invitae), Labcorp
Classification: Uncertain significance. Last evaluated: 2024-02-24. Review status: criteria provided, single submitter. Criteria: Invitae Variant Classification Sherloc (09022015). Collection method: clinical testing. Allele origin: germline.
Comment: This sequence change replaces valine, which is neutral and non-polar, with isoleucine, which is neutral and non-polar, at codon 208 of the TAOK2 protein (p.Val208Ile). This variant is present in population databases (rs375334553, gnomAD 0.02%). This variant has not been reported in the literature in individuals affected with TAOK2-related conditions. An algorithm developed to predict the effect of missense changes on protein structure and function (PolyPhen-2) suggests that this variant is likely to be tolerated. In summary, the available evidence is currently insufficient to determine the role of this variant in disease. Therefore, it has been classified as a Variant of Uncertain Significance.